The following is an entry in ClinVar:

NM_001128840.3(CACNA1D):c.1037A>G (p.Asn346Ser)

Gene: CACNA1D (calcium voltage-gated channel subunit alpha1 D; plus strand). Cytogenetic location: 3p21.1.
Variant type: single nucleotide variant.
Coding change: c.1037A>G on transcript NM_001128840.3 (MANE Select); coding-DNA position 1037, A replaced by G.
Protein change: p.Asn346Ser; replaces asparagine 346 with serine.
Molecular consequence: missense variant.
Genome position (GRCh38, 1-based): chr3:53,666,456, A>G. VCF-style: chr3-53666456-A-G. GRCh37 (hg19) VCF-style: chr3-53700483-A-G.
Other names: c.1037A>G, p.Asn346Ser (NM_000720.4, NM_001128839.3); short protein forms N346S.
Identifiers: ClinVar variation 1908760 (VCV001908760.7), dbSNP rs991077324, ClinGen allele CA75072361.

ClinVar aggregate classification (germline): Uncertain significance. Review status: criteria provided, multiple submitters, no conflicts (2 of 4 stars). 2 submissions from 2 submitters: Uncertain significance (2). Last evaluated 2025-12-19.

Allele frequency attached by ClinVar (database versions not stated): gnomAD exomes below 0.00001.
gnomAD v4.1: 9 of 1,614,194 alleles (0.00056%); highest among the groups gnomAD compares: Non-Finnish European, 0.00059%; no homozygotes.

Submissions (2):

Labcorp Genetics (formerly Invitae), Labcorp
Classification: Uncertain significance. Last evaluated: 2025-12-19. Review status: criteria provided, single submitter. Criteria: Invitae Variant Classification Sherloc (09022015). Collection method: clinical testing. Allele origin: germline.
Comment: This sequence change replaces asparagine, which is neutral and polar, with serine, which is neutral and polar, at codon 346 of the CACNA1D protein (p.Asn346Ser). This variant is present in population databases (no rsID available, gnomAD no frequency). This variant has not been reported in the literature in individuals affected with CACNA1D-related conditions. ClinVar contains an entry for this variant (Variation ID: 1908760). Invitae Evidence Modeling of protein sequence and biophysical properties (such as structural, functional, and spatial information, amino acid conservation, physicochemical variation, residue mobility, and thermodynamic stability) indicates that this missense variant is not expected to disrupt CACNA1D protein function with a negative predictive value of 80%. In summary, the available evidence is currently insufficient to determine the role of this variant in disease. Therefore, it has been classified as a Variant of Uncertain Significance.

Dasa
Classification: Uncertain significance. Last evaluated: 2025-10-30. Review status: criteria provided, single submitter. Criteria: DASA Assertion Criteria. Collection method: clinical testing. Allele origin: germline.
Comment: NM_001128840.3(CACNA1D):c.1037A>G (p.Asn346Ser) is a missense variant that results in the substitution of asparagine with serine. This variant is rare in population databases. Computational prediction algorithms are consistent with a deleterious effect. The currently available literature and clinical evidence are not sufficient to establish a definitive association between this variant and the reported condition. Therefore, this variant is classified as a variant of uncertain significance.